The following is an entry in ClinVar:

ClinVar aggregate classification (germline): Uncertain significance. Review status: criteria provided, multiple submitters, no conflicts (2 of 4 stars). 4 submissions from 4 submitters: Uncertain significance (4). Last evaluated 2026-01-01.

Submissions (4):

CeGaT Center for Human Genetics Tuebingen
Classification: Uncertain significance. Last evaluated: 2026-01-01. Review status: criteria provided, single submitter. Criteria: CeGaT Center For Human Genetics Tuebingen Variant Classification Criteria Version 2. Collection method: clinical testing. Allele origin: germline. Affected: yes. Observed: 2 variant alleles.
Comment: ERCC2: PM2

GeneDx
Classification: Uncertain significance. Last evaluated: 2022-12-06. Review status: criteria provided, single submitter. Criteria: GeneDx Variant Classification Process June 2021. Collection method: clinical testing. Allele origin: germline. Affected: yes.
Comment: In silico analysis supports that this variant does not alter protein structure/function; Has not been previously published as pathogenic or benign to our knowledge

Blueprint Genetics
Classification: Uncertain significance. Last evaluated: 2021-05-25. Review status: criteria provided, single submitter. Criteria: ACMG Guidelines, 2015. Collection method: clinical testing. Allele origin: germline.

Eurofins Ntd Llc (ga)
Classification: Uncertain significance. Last evaluated: 2017-06-22. Review status: criteria provided, single submitter. Criteria: EGL Classification Definitions 2015. Collection method: clinical testing. Allele origin: germline. Observed: 1 variant allele, 1 heterozygote.

NM_000400.4(ERCC2):c.466_468delinsTGC (p.Arg156Cys)

Gene: ERCC2 (ERCC excision repair 2, TFIIH core complex helicase subunit; minus strand). Cytogenetic location: 19q13.32.
Variant type: Indel.
Coding change: c.466_468delinsTGC on transcript NM_000400.4 (MANE Select); coding-DNA positions 466 to 468, CGA replaced by TGC.
Protein change: p.Arg156Cys; replaces arginine 156 with cysteine.
Molecular consequence: missense variant.
Genome position (GRCh38, 1-based): chr19:45,365,051-45,365,053, TCG replaced by GCA on the plus strand (CGA replaced by TGC on the coding strand, the reverse complement: ERCC2 is on the minus strand). VCF-style: chr19-45365051-TCG-GCA. GRCh37 (hg19) VCF-style: chr19-45868309-TCG-GCA.
Other names: c.394_396delinsTGC, p.Arg132Cys (NM_001130867.2); short protein forms R156C, R132C.
Identifiers: ClinVar variation 502702 (VCV000502702.11), dbSNP rs1555778262, ClinGen allele CA658799251.